The following is an entry in ClinVar:

ClinVar aggregate classification (germline): Uncertain significance (1 of 4 stars; one submission).

Submission:

Labcorp Genetics (formerly Invitae), Labcorp
Classification: Uncertain significance. Last evaluated: 2025-03-23. Review status: criteria provided, single submitter. Criteria: Invitae Variant Classification Sherloc (09022015). Collection method: clinical testing. Allele origin: germline.
Comment: This sequence change replaces glutamine, which is neutral and polar, with glutamic acid, which is acidic and polar, at codon 643 of the RASA2 protein (p.Gln643Glu). This variant is not present in population databases (gnomAD no frequency). This variant has not been reported in the literature in individuals affected with RASA2-related conditions. Invitae Evidence Modeling of protein sequence and biophysical properties (such as structural, functional, and spatial information, amino acid conservation, physicochemical variation, residue mobility, and thermodynamic stability) indicates that this missense variant is not expected to disrupt RASA2 protein function with a negative predictive value of 80%. In summary, the available evidence is currently insufficient to determine the role of this variant in disease. Therefore, it has been classified as a Variant of Uncertain Significance.

NM_006506.5(RASA2):c.1927C>G (p.Gln643Glu)

Gene: RASA2 (RAS p21 protein activator 2; plus strand). Cytogenetic location: 3q23.
Variant type: single nucleotide variant.
Coding change: c.1927C>G on transcript NM_006506.5 (MANE Select); coding-DNA position 1927, C replaced by G.
Protein change: p.Gln643Glu; replaces glutamine 643 with glutamic acid.
Molecular consequence: missense variant.
Genome position (GRCh38, 1-based): chr3:141,586,746, C>G. VCF-style: chr3-141586746-C-G. GRCh37 (hg19) VCF-style: chr3-141305588-C-G.
Other names: c.1927C>G, p.Gln643Glu (NM_001303245.3, NM_001303246.3); short protein forms Q643E.
Identifiers: ClinVar variation 4803677 (VCV004803677.1).